The following is an entry in ClinVar:

NM_007272.3(CTRC):c.502C>G (p.Pro168Ala)

Gene: CTRC (chymotrypsin C; plus strand). Cytogenetic location: 1p36.21.
Variant type: single nucleotide variant.
Coding change: c.502C>G on transcript NM_007272.3 (MANE Select); coding-DNA position 502, C replaced by G.
Protein change: p.Pro168Ala; replaces proline 168 with alanine.
Molecular consequence: missense variant.
Genome position (GRCh38, 1-based): chr1:15,444,614, C>G. VCF-style: chr1-15444614-C-G. GRCh37 (hg19) VCF-style: chr1-15771109-C-G.
Other names: short protein forms P168A.
Identifiers: ClinVar variation 1744886 (VCV001744886.2), dbSNP rs1374087623, ClinGen allele CA338566908.

ClinVar aggregate classification (germline): Uncertain significance (1 of 4 stars; one submission).

Conditions:
Hereditary pancreatitis (PCTT). Also called: Hereditary chronic pancreatitis; PRSS1-Related Hereditary Pancreatitis. Identifiers: Orphanet 676, MedGen C0238339, MONDO:0008185, OMIM 167800.

Submission:

Ambry Genetics
Classification: Uncertain significance for Hereditary pancreatitis. Last evaluated: 2022-02-05. Review status: criteria provided, single submitter. Criteria: Ambry Variant Classification Scheme 2023. Collection method: clinical testing. Allele origin: germline.
Comment: The p.P168A variant (also known as c.502C>G), located in coding exon 6 of the CTRC gene, results from a C to G substitution at nucleotide position 502. The proline at codon 168 is replaced by alanine, an amino acid with highly similar properties. This amino acid position is conserved. In addition, the in silico prediction for this alteration is inconclusive. Since supporting evidence is limited at this time, the clinical significance of this alteration remains unclear.